The following is an entry in ClinVar:

NM_004656.4(BAP1):c.1902A>G (p.Ala634=)

Gene: BAP1 (BRCA1 associated deubiquitinase 1; minus strand). Cytogenetic location: 3p21.1.
Variant type: single nucleotide variant.
Coding change: c.1902A>G on transcript NM_004656.4 (MANE Select); coding-DNA position 1902, A replaced by G.
Protein change: p.Ala634=; no amino-acid change (alanine 634 retained).
Molecular consequence: synonymous variant.
Genome position (GRCh38, 1-based): chr3:52,402,860, T>C on the plus strand (A>G on the coding strand, the complement: BAP1 is on the minus strand). VCF-style: chr3-52402860-T-C. GRCh37 (hg19) VCF-style: chr3-52436876-T-C.
Other names: c.1848A>G, p.Ala616= (NM_001410772.1).
Identifiers: ClinVar variation 4874507 (VCV004874507.2).
Genomic context (GRCh38, chr3:52,402,860, plus strand): 5'-TACCTCCTCCTTGAGGCACGCCTCATAGTTTGCAATCTCAGCCTCCACACACTTCAGCAG[T>C]GCCAGCAGCTCCTGCCAAAACCCAGCATTGCACCTCTGATCGGGGCGGGCCAGCAACAAA-3'
Protein context (NP_004647.1, residues 624-644): GEKYSPKELL[Ala634=]LLKCVEAEIA

ClinVar aggregate classification (germline): Likely benign (1 of 4 stars; one submission).

Submission:

CeGaT Center for Human Genetics Tuebingen
Classification: Likely benign. Last evaluated: 2026-04-01. Review status: criteria provided, single submitter. Criteria: CeGaT Center For Human Genetics Tuebingen Variant Classification Criteria Version 2. Collection method: clinical testing. Allele origin: germline. Affected: yes. Observed: 1 variant allele.
Comment: BAP1: PM2:Supporting, BP4, BP7